The following is an entry in ClinVar:

ClinVar aggregate classification (germline): Pathogenic/Likely pathogenic. Review status: criteria provided, multiple submitters, no conflicts (2 of 4 stars). 7 submissions from 7 submitters: Pathogenic (4); Likely pathogenic (1). 2 of the submissions do not count toward it. Last evaluated 2026-07-16.

Conditions:
ABCC6-related disorder. Also called: ABCC6-related condition.
Arterial calcification, generalized, of infancy, 2. Identifiers: Orphanet 51608, MedGen C3276161, MONDO:0013768, OMIM 614473.
Autosomal recessive inherited pseudoxanthoma elasticum (PXE). Identifiers: Orphanet 758, MedGen CN032334, MONDO:0009925, OMIM 264800.
Pseudoxanthoma elasticum, forme fruste. Also called: Pseudoxanthoma Elasticum, Incomplete; PSEUDOXANTHOMA ELASTICUM, HETEROZYGOUS. Identifiers: Orphanet 758, MedGen C1867450, MONDO:0008333, OMIM 177850.

Allele frequency attached by ClinVar (database versions not stated): TOPMed 0.00005.
gnomAD v4.1: 31 of 1,614,058 alleles (0.0019%); highest among the groups gnomAD compares: South Asian, 0.0044%; no homozygotes.

Submissions (7):

PreventionGenetics, part of Exact Sciences
Classification: Pathogenic for ABCC6-related condition. Last evaluated: 2026-07-16. Review status: criteria provided, single submitter. Criteria: ACMG Guidelines, 2015. Collection method: clinical testing. Allele origin: germline.
Comment: The ABCC6 c.2432C>T variant is predicted to result in the amino acid substitution p.Thr811Met. This variant, in the compound heterozygous state, has been reported to be causative for pseudoxanthoma elasticum (see for example - Ringpfeil et al. 2006. PubMed ID: 16410789; Pfendner et al. 2007. PubMed ID: 17617515) and functional studies found this variant results in activity <10% of wild type (Ran et al. 2018. PubMed ID: 30154241). Additionally, an alternate missense variant affecting this amino acid has been reported to be causative for pseudoxanthoma elasticum (Legrand et al. 2017. PubMed ID: 28102862). This variant is reported in 0.0098% of alleles in individuals of South Asian descent in gnomAD. This variant is interpreted as pathogenic.

Labcorp Genetics (formerly Invitae), Labcorp
Classification: Pathogenic. Last evaluated: 2025-08-24. Review status: criteria provided, single submitter. Criteria: Invitae Variant Classification Sherloc (09022015). Collection method: clinical testing. Allele origin: germline.
Comment: This sequence change replaces threonine, which is neutral and polar, with methionine, which is neutral and non-polar, at codon 811 of the ABCC6 protein (p.Thr811Met). This variant is present in population databases (rs72653796, gnomAD 0.01%). This missense change has been observed in individual(s) with pseudoxanthoma elasticum (PMID: 16410789, 32873932). In at least one individual the data is consistent with being in trans (on the opposite chromosome) from a pathogenic variant. ClinVar contains an entry for this variant (Variation ID: 433275). Invitae Evidence Modeling of protein sequence and biophysical properties (such as structural, functional, and spatial information, amino acid conservation, physicochemical variation, residue mobility, and thermodynamic stability) indicates that this missense variant is expected to disrupt ABCC6 protein function with a positive predictive value of 95%. Experimental studies have shown that this missense change affects ABCC6 function (PMID: 30154241). For these reasons, this variant has been classified as Pathogenic.

Fulgent Genetics
Classification: Pathogenic for Pseudoxanthoma elasticum, forme fruste; Autosomal recessive inherited pseudoxanthoma elasticum; Arterial calcification, generalized, of infancy, 2. Last evaluated: 2024-04-12. Review status: criteria provided, single submitter. Criteria: ACMG Guidelines, 2015. Collection method: clinical testing. Allele origin: germline.

Revvity Omics, Revvity
Classification: Pathogenic. Last evaluated: 2023-11-14. Review status: criteria provided, single submitter. Criteria: ACMG Guidelines, 2015. Collection method: clinical testing. Allele origin: germline.

Blueprint Genetics
Classification: Likely pathogenic for ABCC6-related disorders. Last evaluated: 2020-12-08. Review status: criteria provided, single submitter. Criteria: ACMG Guidelines, 2015. Collection method: clinical testing. Allele origin: germline. Affected: yes. Observed: 3 variant alleles.

PXE International
Classification: Pathogenic for Autosomal recessive inherited pseudoxanthoma elasticum. Last evaluated: 2021-03-01. Review status: no assertion criteria provided. Collection method: research. Allele origin: germline. Inheritance: Autosomal recessive inheritance. Affected: yes. Observed: 1 variant allele. Not counted in ClinVar's aggregate classification.

Genomic Medicine Center of Excellence, King Faisal Specialist Hospital and Research Centre
Classification: Likely benign for Autosomal recessive inherited pseudoxanthoma elasticum. Last evaluated: 2024-12-19. Review status: flagged submission. Criteria: ACMG Guidelines, 2015. Collection method: clinical testing. Allele origin: germline. Not counted in ClinVar's aggregate classification.
ClinVar note: Reason: Outlier claim with insufficient supporting evidence

Literature cited by the submitters: PubMed 16410789 (cited by Labcorp Genetics (formerly Invitae), Labcorp); PubMed 32873932 (cited by Labcorp Genetics (formerly Invitae), Labcorp and PXE International); PubMed 30154241 (cited by Labcorp Genetics (formerly Invitae), Labcorp).

NM_001171.6(ABCC6):c.2432C>T (p.Thr811Met)

Gene: ABCC6 (ATP binding cassette subfamily C member 6; minus strand). Cytogenetic location: 16p13.11.
Variant type: single nucleotide variant.
Coding change: c.2432C>T on transcript NM_001171.6 (MANE Select); coding-DNA position 2432, C replaced by T.
Protein change: p.Thr811Met; replaces threonine 811 with methionine.
Molecular consequence: missense variant.
Genome position (GRCh38, 1-based): chr16:16,177,610, G>A on the plus strand (C>T on the coding strand, the complement: ABCC6 is on the minus strand). VCF-style: chr16-16177610-G-A. GRCh37 (hg19) VCF-style: chr16-16271467-G-A.
Other names: c.2090C>T, p.Thr697Met (NM_001351800.1); short protein forms T811M, T697M.
Identifiers: ClinVar variation 433275 (VCV000433275.13), dbSNP rs72653796, ClinGen allele CA7925914.
Genomic context (GRCh38, chr16:16,177,610, plus strand): 5'-ATGGCCCCATTTGCCAGCACTATGATCCAATCAGCCTGGGGCAGGATGTGGAGTGCGTGC[G>A]TCACGAGAATCCGTGTCTGGGCAGGGAAGGGGTAGAAGTTACACACATGTGGCCGGGTGC-3'
Protein context (NP_001162.5, residues 801-821): LLQGTTRILV[Thr811Met]HALHILPQAD